The following is an entry in ClinVar:

NM_024675.4(PALB2):c.1175A>G (p.Glu392Gly)

Gene: PALB2 (partner and localizer of BRCA2; minus strand). Cytogenetic location: 16p12.2.
Variant type: single nucleotide variant.
Coding change: c.1175A>G on transcript NM_024675.4 (MANE Select); coding-DNA position 1175, A replaced by G.
Protein change: p.Glu392Gly; replaces glutamic acid 392 with glycine.
Molecular consequence: missense variant.
Genome position (GRCh38, 1-based): chr16:23,635,371, T>C on the plus strand (A>G on the coding strand, the complement: PALB2 is on the minus strand). VCF-style: chr16-23635371-T-C. GRCh37 (hg19) VCF-style: chr16-23646692-T-C.
Other names: short protein forms E392G.
Identifiers: ClinVar variation 492151 (VCV000492151.20), dbSNP rs1555461424, ClinGen allele CA395133402.

ClinVar aggregate classification (germline): Uncertain significance. Review status: criteria provided, multiple submitters, no conflicts (2 of 4 stars). 4 submissions from 4 submitters: Uncertain significance (4). Last evaluated 2025-11-15.

Conditions:
Hereditary cancer-predisposing syndrome. Also called: Hereditary neoplastic syndrome; Tumor predisposition; Hereditary Cancer Syndrome; Neoplastic Syndromes, Hereditary. Identifiers: Orphanet 140162, MedGen C0027672, MeSH D009386, MONDO:0015356.
Familial cancer of breast. Also called: Hereditary breast cancer; hereditary breast carcinoma; BREAST CANCER, FAMILIAL. Identifiers: Orphanet 227535, MedGen C0346153, MONDO:0016419, OMIM 114480. Disease mechanism: loss of function.

Allele frequency attached by ClinVar (database versions not stated): gnomAD exomes below 0.00001.
gnomAD v4.1: 1 of 1,614,036 alleles (0.000062%); highest among the groups gnomAD compares: South Asian, 0.0011%; no homozygotes.

Submissions (4):

Labcorp Genetics (formerly Invitae), Labcorp
Classification: Uncertain significance for Familial cancer of breast. Last evaluated: 2025-11-15. Review status: criteria provided, single submitter. Criteria: Invitae Variant Classification Sherloc (09022015). Collection method: clinical testing. Allele origin: germline.
Comment: This sequence change replaces glutamic acid, which is acidic and polar, with glycine, which is neutral and non-polar, at codon 392 of the PALB2 protein (p.Glu392Gly). This variant is not present in population databases (gnomAD no frequency). This variant has not been reported in the literature in individuals affected with PALB2-related conditions. ClinVar contains an entry for this variant (Variation ID: 492151). Invitae Evidence Modeling of protein sequence and biophysical properties (such as structural, functional, and spatial information, amino acid conservation, physicochemical variation, residue mobility, and thermodynamic stability) indicates that this missense variant is not expected to disrupt PALB2 protein function with a negative predictive value of 80%. In summary, the available evidence is currently insufficient to determine the role of this variant in disease. Therefore, it has been classified as a Variant of Uncertain Significance.

Ambry Genetics
Classification: Uncertain significance for Hereditary cancer-predisposing syndrome. Last evaluated: 2025-07-14. Review status: criteria provided, single submitter. Criteria: Ambry Variant Classification Scheme 2023. Collection method: clinical testing. Allele origin: germline.
Comment: The p.E392G variant (also known as c.1175A>G), located in coding exon 4 of the PALB2 gene, results from an A to G substitution at nucleotide position 1175. The glutamic acid at codon 392 is replaced by glycine, an amino acid with similar properties. This amino acid position is not well conserved in available vertebrate species. In addition, this alteration is predicted to be tolerated by in silico analysis. Since supporting evidence is limited at this time, the clinical significance of this alteration remains unclear.

Baylor Genetics
Classification: Uncertain significance for Familial cancer of breast. Last evaluated: 2024-01-03. Review status: criteria provided, single submitter. Criteria: ACMG Guidelines, 2015. Collection method: clinical testing. Allele origin: unknown.

Color Diagnostics, LLC DBA Color Health
Classification: Uncertain significance for Hereditary cancer-predisposing syndrome. Last evaluated: 2023-12-05. Review status: criteria provided, single submitter. Criteria: ACMG Guidelines, 2015. Collection method: clinical testing. Allele origin: germline.
Comment: This missense variant replaces glutamic acid with glycine at codon 392 of the PALB2 protein. Computational prediction suggests that this variant may not impact protein structure and function (internally defined REVEL score threshold <= 0.5, PMID: 27666373). To our knowledge, functional studies have not been reported for this variant. This variant has not been reported in individuals affected with PALB2-related disorders in the literature. This variant has not been identified in the general population by the Genome Aggregation Database (gnomAD). The available evidence is insufficient to determine the role of this variant in disease conclusively. Therefore, this variant is classified as a Variant of Uncertain Significance.